The following is an entry in ClinVar:

NM_001393769.1(MED12L):c.5212T>C (p.Tyr1738His)

Gene: MED12L (mediator complex subunit 12L; plus strand). Cytogenetic location: 3q25.1.
Variant type: single nucleotide variant.
Coding change: c.5212T>C on transcript NM_001393769.1 (MANE Select); coding-DNA position 5212, T replaced by C.
Protein change: p.Tyr1738His; replaces tyrosine 1738 with histidine.
Molecular consequence: missense variant.
Genome position (GRCh38, 1-based): chr3:151,387,933, T>C. VCF-style: chr3-151387933-T-C. GRCh37 (hg19) VCF-style: chr3-151105721-T-C.
Other names: c.5107T>C, p.Tyr1703His (NM_053002.6); short protein forms Y1703H, Y1738H.
Identifiers: ClinVar variation 1320498 (VCV001320498.2), dbSNP rs2108205002, ClinGen allele CA354976912.

ClinVar aggregate classification (germline): Uncertain significance (1 of 4 stars; one submission).

Submission:

GeneDx
Classification: Uncertain significance. Last evaluated: 2019-12-18. Review status: criteria provided, single submitter. Criteria: GeneDx Variant Classification Process June 2021. Collection method: clinical testing. Allele origin: germline. Affected: yes.
Comment: Has not been previously published as pathogenic or benign to our knowledge; Not observed in large population cohorts (Lek et al., 2016); In silico analysis, which includes protein predictors and evolutionary conservation, supports a deleterious effect